The following is an entry in ClinVar:

ClinVar aggregate classification (germline): Uncertain significance (1 of 4 stars; one submission).

Conditions:
Wiedemann-Steiner syndrome (WDSTS). Also called: Growth deficiency and mental retardation with facial dysmorphism. Identifiers: Orphanet 319182, MedGen C1854630, MONDO:0011518, OMIM 605130.

Submission:

OLLIN Analises Genomicas, OLLIN
Classification: Uncertain significance for Wiedemann-Steiner syndrome. Last evaluated: 2026-02-13. Review status: criteria provided, single submitter. Criteria: ACMG Guidelines 2015 PMID 25741868. Collection method: clinical testing. Allele origin: germline. Observed: 1 variant allele.
Comment: PM2_P, PP2, BP4

NM_001197104.2(KMT2A):c.6817G>A (p.Val2273Met)

Gene: KMT2A (lysine methyltransferase 2A; plus strand). Cytogenetic location: 11q23.3.
Variant type: single nucleotide variant.
Coding change: c.6817G>A on transcript NM_001197104.2 (MANE Select); coding-DNA position 6817, G replaced by A.
Protein change: p.Val2273Met; replaces valine 2273 with methionine.
Molecular consequence: missense variant.
Genome position (GRCh38, 1-based): chr11:118,502,709, G>A. VCF-style: chr11-118502709-G-A. GRCh37 (hg19) VCF-style: chr11-118373424-G-A.
Other names: c.6907G>A, p.Val2303Met (NM_001412597.1); c.6808G>A, p.Val2270Met (NM_005933.4); short protein forms V2270M, V2273M, V2303M.
Identifiers: ClinVar variation 4814084 (VCV004814084.1).